The following is an entry in ClinVar:

NM_033641.4(COL4A6):c.4348C>A (p.Gln1450Lys)

Gene: COL4A6 (collagen type IV alpha 6 chain; minus strand). Cytogenetic location: Xq22.3.
Variant type: single nucleotide variant.
Coding change: c.4348C>A on transcript NM_033641.4 (MANE Select); coding-DNA position 4348, C replaced by A.
Protein change: p.Gln1450Lys; replaces glutamine 1450 with lysine.
Molecular consequence: missense variant.
Genome position (GRCh38, 1-based): chrX:108,160,640, G>T on the plus strand (C>A on the coding strand, the complement: COL4A6 is on the minus strand). VCF-style: chrX-108160640-G-T. GRCh37 (hg19) VCF-style: chrX-107403870-G-T.
Other names: c.4399C>A, p.Gln1467Lys (NM_001287758.2); c.4276C>A, p.Gln1426Lys (NM_001287759.2); c.4177C>A, p.Gln1393Lys (NM_001287760.2); c.4351C>A, p.Gln1451Lys (NM_001847.4); short protein forms Q1467K, Q1426K, Q1450K, Q1393K, Q1451K.
Identifiers: ClinVar variation 2750291 (VCV002750291.3), dbSNP rs145082503, ClinGen allele CA10487205.

ClinVar aggregate classification (germline): Uncertain significance (1 of 4 stars; one submission).

Allele frequency attached by ClinVar (database versions not stated): ExAC 0.00004; ESP Exome Variant Server 0.00019.
gnomAD v4.1: 19 of 1,205,700 alleles (0.0016%); highest among the groups gnomAD compares: African/African-American, 0.031%; no homozygotes.

Submission:

Labcorp Genetics (formerly Invitae), Labcorp
Classification: Uncertain significance. Last evaluated: 2025-06-12. Review status: criteria provided, single submitter. Criteria: Invitae Variant Classification Sherloc (09022015). Collection method: clinical testing. Allele origin: germline.
Comment: This sequence change replaces glutamine, which is neutral and polar, with lysine, which is basic and polar, at codon 1451 of the COL4A6 protein (p.Gln1451Lys). This variant is present in population databases (rs145082503, gnomAD 0.04%). This variant has not been reported in the literature in individuals affected with COL4A6-related conditions. ClinVar contains an entry for this variant (Variation ID: 2750291). Invitae Evidence Modeling of protein sequence and biophysical properties (such as structural, functional, and spatial information, amino acid conservation, physicochemical variation, residue mobility, and thermodynamic stability) indicates that this missense variant is not expected to disrupt COL4A6 protein function with a negative predictive value of 80%. In summary, the available evidence is currently insufficient to determine the role of this variant in disease. Therefore, it has been classified as a Variant of Uncertain Significance.